The following is an entry in ClinVar:

NM_176787.5(PIGN):c.2519T>C (p.Val840Ala)

Gene: PIGN (phosphatidylinositol glycan anchor biosynthesis class N; minus strand). Cytogenetic location: 18q21.33.
Variant type: single nucleotide variant.
Coding change: c.2519T>C on transcript NM_176787.5 (MANE Select); coding-DNA position 2519, T replaced by C.
Protein change: p.Val840Ala; replaces valine 840 with alanine.
Molecular consequence: missense variant.
Genome position (GRCh38, 1-based): chr18:62,082,730, A>G on the plus strand (T>C on the coding strand, the complement: PIGN is on the minus strand). VCF-style: chr18-62082730-A-G. GRCh37 (hg19) VCF-style: chr18-59749963-A-G.
Other names: c.2519T>C, p.Val840Ala (NM_012327.6); c.2519T>C (NM_176787.4); short protein forms V840A.
Identifiers: ClinVar variation 1517499 (VCV001517499.6), dbSNP rs779971442, ClinGen allele CA8981960.
Genomic context (GRCh38, chr18:62,082,730, plus strand): 5'-TACCTTTTTGACGATAACTGAGTAGTCAACTGAACTGCTTCAAAAGCACACATAACAAGA[A>G]CAAAGGGGATTAAAATCTGTAAAAGAACAATAAATGATGCAAGGAATAACTGAAGCATCT-3'
Protein context (NP_789744.1, residues 830-850): LMMWKILIPF[Val840Ala]LVMCAFEAVQ

ClinVar aggregate classification (germline): Uncertain significance. Review status: criteria provided, multiple submitters, no conflicts (2 of 4 stars). 2 submissions from 2 submitters: Uncertain significance (2). Last evaluated 2025-08-14.

Conditions:
Inborn genetic diseases. Identifiers: MedGen C0950123, MeSH D030342.
Multiple congenital anomalies-hypotonia-seizures syndrome 1 (MCAHS1). Also called: PIGN-CDG; Congenital disorder of glycosylation due to PIGN deficiency; GLYCOSYLPHOSPHATIDYLINOSITOL BIOSYNTHESIS DEFECT 3. Identifiers: Orphanet 280633, MedGen C3279775, MONDO:0013563, OMIM 614080.

Allele frequency attached by ClinVar (database versions not stated): gnomAD exomes 0.00001; TOPMed 0.00001.
gnomAD v4.1: 28 of 1,544,602 alleles (0.0018%); highest among the groups gnomAD compares: Non-Finnish European, 0.0025%; no homozygotes.

Submissions (2):

Ambry Genetics
Classification: Uncertain significance for Inborn genetic diseases. Last evaluated: 2025-08-14. Review status: criteria provided, single submitter. Criteria: Ambry Variant Classification Scheme 2023. Collection method: clinical testing. Allele origin: germline.

Labcorp Genetics (formerly Invitae), Labcorp
Classification: Uncertain significance for Multiple congenital anomalies-hypotonia-seizures syndrome 1. Last evaluated: 2022-02-24. Review status: criteria provided, single submitter. Criteria: Invitae Variant Classification Sherloc (09022015). Collection method: clinical testing. Allele origin: germline.
Comment: This sequence change replaces valine, which is neutral and non-polar, with alanine, which is neutral and non-polar, at codon 840 of the PIGN protein (p.Val840Ala). The frequency data for this variant in the population databases is considered unreliable, as metrics indicate poor data quality at this position in the gnomAD database. This variant has not been reported in the literature in individuals affected with PIGN-related conditions. Algorithms developed to predict the effect of missense changes on protein structure and function output the following: SIFT: "Deleterious"; PolyPhen-2: "Benign"; Align-GVGD: "Class C0". The alanine amino acid residue is found in multiple mammalian species, which suggests that this missense change does not adversely affect protein function. In summary, the available evidence is currently insufficient to determine the role of this variant in disease. Therefore, it has been classified as a Variant of Uncertain Significance.